The following is an entry in ClinVar:

NM_017780.4(CHD7):c.2605del (p.Leu869fs)

Gene: CHD7 (chromodomain helicase DNA binding protein 7; plus strand). Cytogenetic location: 8q12.2.
Variant type: Deletion.
Coding change: c.2605del on transcript NM_017780.4 (MANE Select); coding-DNA position 2605, one base deleted (C; older notation c.2605delC).
Protein change: p.Leu869fs; shifts the reading frame from leucine 869.
Molecular consequence: frameshift variant. On other transcripts: intron variant (1).
Genome position (GRCh38, 1-based): chr8:60,816,493, C deleted; the last of 2 consecutive C bases (chr8:60,816,492-60,816,493); deleting either gives the same sequence. VCF-style (leftmost placement, unchanged base first): chr8-60816491-TC-T. GRCh37 (hg19) VCF-style: chr8-61729050-TC-T.
Other names: c.1716+35443del (NM_001316690.1); short protein forms L869fs.
Identifiers: ClinVar variation 4813793 (VCV004813793.1).
Genomic context (GRCh38, chr8:60,816,491, plus strand): 5'-AAGATAAGAGAATTCAGCAAAAAATTAAACGATTTAAGGCAAAGCAGGGCCAGAACAAGT[TC>T]CTTTCAGAGGTACGACATACCTGCTTACTTTTCCAAAGTATTTACTTTGTTAAAATGTTC-3'

ClinVar aggregate classification (germline): Pathogenic (1 of 4 stars; one submission).

Conditions:
CHD7-related CHARGE syndrome. Identifiers: MedGen CN380413, MONDO:1010178, OMIM 214800.

Submission:

Variantyx, Inc.
Classification: Pathogenic for CHD7-related CHARGE syndrome. Last evaluated: 2025-12-01. Review status: criteria provided, single submitter. Criteria: Variantyx Assertion Criteria 2022. Collection method: clinical testing. Allele origin: germline. Inheritance: Autosomal recessive inheritance. Affected: yes.
Comment: This is a frameshift variant in the CHD7 gene (OMIM: 608892). Pathogenic variants in this gene have been associated with autosomal dominant CHARGE syndrome. This variant introduces a premature termination codon in exon 8 out of 38 and is expected to result in loss of function, which is a known disease mechanism for CHD7 in this disorder (PMID: 22461308, 25077900) (PVS1). This variant is absent from control populations (PM2) and has not been reported in individuals with CHD7-related disorders in the databases available for review. Based on the current evidence, this variant is classified as pathogenic for autosomal dominant CHARGE syndrome.

Literature cited by the submitters: PubMed 22461308; PubMed 25077900.